The following is an entry in ClinVar:

ClinVar aggregate classification (germline): Uncertain significance (1 of 4 stars; one submission).

Conditions:
Propionic acidemia (PROP). Also called: GLYCINEMIA, KETOTIC; HYPERGLYCINEMIA WITH KETOACIDOSIS AND LEUKOPENIA; KETOTIC HYPERGLYCINEMIA. Identifiers: Orphanet 35, MedGen C0268579, MONDO:0011628, OMIM 606054, HP:0003571.

Submission:

Labcorp Genetics (formerly Invitae), Labcorp
Classification: Uncertain significance for Propionic acidemia. Last evaluated: 2022-07-12. Review status: criteria provided, single submitter. Criteria: Invitae Variant Classification Sherloc (09022015). Collection method: clinical testing. Allele origin: germline.
Comment: In summary, the available evidence is currently insufficient to determine the role of this variant in disease. Therefore, it has been classified as a Variant of Uncertain Significance. Advanced modeling of protein sequence and biophysical properties (such as structural, functional, and spatial information, amino acid conservation, physicochemical variation, residue mobility, and thermodynamic stability) performed at Invitae indicates that this missense variant is expected to disrupt PCCB protein function. This variant has not been reported in the literature in individuals affected with PCCB-related conditions. This variant is not present in population databases (gnomAD no frequency). This sequence change replaces isoleucine, which is neutral and non-polar, with phenylalanine, which is neutral and non-polar, at codon 389 of the PCCB protein (p.Ile389Phe).

NM_000532.5(PCCB):c.1165A>T (p.Ile389Phe)

Gene: PCCB (propionyl-CoA carboxylase subunit beta; plus strand). Cytogenetic location: 3q22.3.
Variant type: single nucleotide variant.
Coding change: c.1165A>T on transcript NM_000532.5 (MANE Select); coding-DNA position 1165, A replaced by T.
Protein change: p.Ile389Phe; replaces isoleucine 389 with phenylalanine.
Molecular consequence: missense variant.
Genome position (GRCh38, 1-based): chr3:136,326,877, A>T. VCF-style: chr3-136326877-A-T. GRCh37 (hg19) VCF-style: chr3-136045719-A-T.
Other names: c.1225A>T, p.Ile409Phe (NM_001178014.2); short protein forms I409F, I389F.
Identifiers: ClinVar variation 2090130 (VCV002090130.2), dbSNP rs773056459, ClinGen allele CA354648729.